The following is an entry in ClinVar:

ClinVar aggregate classification (germline): Uncertain significance. Review status: criteria provided, multiple submitters, no conflicts (2 of 4 stars). 2 submissions from 2 submitters: Uncertain significance (2). Last evaluated 2025-06-02.

Conditions:
Inborn genetic diseases. Identifiers: MedGen C0950123, MeSH D030342.

Allele frequency attached by ClinVar (database versions not stated): TOPMed below 0.00001.
gnomAD v4.1: 2 of 1,613,540 alleles (0.00012%); highest among the groups gnomAD compares: Admixed American, 0.0017%; no homozygotes.

Submissions (2):

Labcorp Genetics (formerly Invitae), Labcorp
Classification: Uncertain significance. Last evaluated: 2025-06-02. Review status: criteria provided, single submitter. Criteria: Invitae Variant Classification Sherloc (09022015). Collection method: clinical testing. Allele origin: germline.
Comment: This sequence change replaces proline, which is neutral and non-polar, with leucine, which is neutral and non-polar, at codon 2252 of the NOTCH3 protein (p.Pro2252Leu). This variant is present in population databases (no rsID available, gnomAD 0.0009%). This variant has not been reported in the literature in individuals affected with NOTCH3-related conditions. ClinVar contains an entry for this variant (Variation ID: 1506861). Invitae Evidence Modeling of protein sequence and biophysical properties (such as structural, functional, and spatial information, amino acid conservation, physicochemical variation, residue mobility, and thermodynamic stability) indicates that this missense variant is not expected to disrupt NOTCH3 protein function with a negative predictive value of 95%. In summary, the available evidence is currently insufficient to determine the role of this variant in disease. Therefore, it has been classified as a Variant of Uncertain Significance.

Ambry Genetics
Classification: Uncertain significance for Inborn genetic diseases. Last evaluated: 2021-09-16. Review status: criteria provided, single submitter. Criteria: Ambry Variant Classification Scheme 2023. Collection method: clinical testing. Allele origin: germline.

NM_000435.3(NOTCH3):c.6755C>T (p.Pro2252Leu)

Gene: NOTCH3 (notch receptor 3; minus strand). Cytogenetic location: 19p13.12.
Variant type: single nucleotide variant.
Coding change: c.6755C>T on transcript NM_000435.3 (MANE Select); coding-DNA position 6755, C replaced by T.
Protein change: p.Pro2252Leu; replaces proline 2252 with leucine.
Molecular consequence: missense variant.
Genome position (GRCh38, 1-based): chr19:15,160,873, G>A on the plus strand (C>T on the coding strand, the complement: NOTCH3 is on the minus strand). VCF-style: chr19-15160873-G-A. GRCh37 (hg19) VCF-style: chr19-15271684-G-A.
Other names: c.6755C>T (NM_000435.2); short protein forms P2252L.
Identifiers: ClinVar variation 1506861 (VCV001506861.9), dbSNP rs201073642, ClinGen allele CA305757860.